The following is an entry in ClinVar:

NM_001283009.2(RTEL1):c.658G>A (p.Asp220Asn)

Genes: RTEL1 (regulator of telomere elongation helicase 1; plus strand), RTEL1-TNFRSF6B (RTEL1-TNFRSF6B readthrough (NMD candidate); plus strand). Cytogenetic location: 20q13.33.
Variant type: single nucleotide variant.
Coding change: c.658G>A on transcript NM_001283009.2 (MANE Select); coding-DNA position 658, G replaced by A.
Protein change: p.Asp220Asn; replaces aspartic acid 220 with asparagine.
Molecular consequence: missense variant. On other transcripts: non-coding transcript variant (1), 5 prime UTR variant (1).
Genome position (GRCh38, 1-based): chr20:63,667,512, G>A. VCF-style: chr20-63667512-G-A. GRCh37 (hg19) VCF-style: chr20-62298865-G-A.
Other names: c.-12G>A (NM_001283010.1); c.658G>A, p.Asp220Asn (NM_016434.4); c.730G>A, p.Asp244Asn (NM_032957.5); short protein forms D220N, D244N.
Identifiers: ClinVar variation 940472 (VCV000940472.9), dbSNP rs776356655, ClinGen allele CA9964388.
Genomic context (GRCh38, chr20:63,667,512, plus strand): 5'-TCCTCTCTCCTTCCCAGGGTGTGCCCTTACTACCTGTCCCGGAACCTGAAGCAGCAAGCC[G>A]ACATCATATTCATGCCGTACAATTACTTGTTGGATGCCAAGGTGGGGGCTCAGTCCTGTA-3'
Protein context (NP_001269938.1, residues 210-230): YLSRNLKQQA[Asp220Asn]IIFMPYNYLL

ClinVar aggregate classification (germline): Uncertain significance. Review status: criteria provided, multiple submitters, no conflicts (2 of 4 stars). 3 submissions from 3 submitters: Uncertain significance (3). Last evaluated 2024-08-01.

Conditions:
Dyskeratosis congenita, autosomal recessive 5 (DKCB5). Identifiers: MedGen C3554656, MONDO:0014076, OMIM 615190.
Pulmonary fibrosis and/or bone marrow failure, Telomere-related, 3. Also called: PULMONARY FIBROSIS AND/OR BONE MARROW FAILURE SYNDROME, TELOMERE-RELATED, 3. Identifiers: Orphanet 2032, MedGen C4225346, MONDO:0014613, OMIM 616373.

Allele frequency attached by ClinVar (database versions not stated): ExAC 0.00001; gnomAD 0.00001; gnomAD exomes 0.00002 and 0.00004; TOPMed 0.00002.

Submissions (3):

Labcorp Genetics (formerly Invitae), Labcorp
Classification: Uncertain significance for Dyskeratosis congenita, autosomal recessive 5; Pulmonary fibrosis and/or bone marrow failure, Telomere-related, 3. Last evaluated: 2024-08-01. Review status: criteria provided, single submitter. Criteria: Invitae Variant Classification Sherloc (09022015). Collection method: clinical testing. Allele origin: germline.
Comment: This sequence change replaces aspartic acid, which is acidic and polar, with asparagine, which is neutral and polar, at codon 220 of the RTEL1 protein (p.Asp220Asn). This variant is present in population databases (rs776356655, gnomAD 0.002%). This missense change has been observed in individual(s) with aplastic anemia (PMID: 29344583). ClinVar contains an entry for this variant (Variation ID: 940472). An algorithm developed to predict the effect of missense changes on protein structure and function (PolyPhen-2) suggests that this variant is likely to be disruptive. In summary, the available evidence is currently insufficient to determine the role of this variant in disease. Therefore, it has been classified as a Variant of Uncertain Significance.

Blueprint Genetics
Classification: Uncertain significance. Last evaluated: 2023-05-17. Review status: criteria provided, single submitter. Criteria: ACMG Guidelines, 2015. Collection method: clinical testing. Allele origin: germline.

Revvity Omics, Revvity
Classification: Uncertain significance. Last evaluated: 2022-07-13. Review status: criteria provided, single submitter. Criteria: ACMG Guidelines, 2015. Collection method: clinical testing. Allele origin: germline.

Literature cited by the submitters: PubMed 29344583 (cited by Labcorp Genetics (formerly Invitae), Labcorp).